The following is an entry in ClinVar:

NM_001177949.2(SYCP3):c.435A>G (p.Glu145=)

Gene: SYCP3 (synaptonemal complex protein 3; minus strand). Cytogenetic location: 12q23.2.
Variant type: single nucleotide variant.
Coding change: c.435A>G on transcript NM_001177949.2 (MANE Select); coding-DNA position 435, A replaced by G.
Protein change: p.Glu145=; no amino-acid change (glutamic acid 145 retained).
Molecular consequence: synonymous variant.
Genome position (GRCh38, 1-based): chr12:101,733,593, T>C on the plus strand (A>G on the coding strand, the complement: SYCP3 is on the minus strand). VCF-style: chr12-101733593-T-C. GRCh37 (hg19) VCF-style: chr12-102127371-T-C.
Other names: c.435A>G, p.Glu145= (NM_001177948.2, NM_153694.5).
Identifiers: ClinVar variation 306764 (VCV000306764.10), dbSNP rs78591432, ClinGen allele CA6745896.
Genomic context (GRCh38, chr12:101,733,593, plus strand): 5'-ACTTGAGACTTGGTTGATTATAAACCTAATCATGATACCAACAAGTATTTTTTCTTCTTG[T>C]TCCTCAGCTTTCTGCATATCTAAATCCCACTGCTGAAACAAAGTCAGAAACTGCTGAGAA-3'
Protein context (NP_001171420.1, residues 135-155): QWDLDMQKAE[Glu145=]QEEKILNMFR

ClinVar aggregate classification (germline): Benign. Review status: criteria provided, multiple submitters, no conflicts (2 of 4 stars). 3 submissions from 3 submitters: Benign (3). Last evaluated 2019-12-31.

Conditions:
Spermatogenic failure 4. Also called: AZOOSPERMIA WITH MATURATION ARREST; PREGNANCY LOSS 4. Identifiers: MedGen C0232981, MONDO:0010052, OMIM 270960.

Allele frequency attached by ClinVar (database versions not stated): gnomAD exomes 0.00102 and 0.00320; ExAC 0.00393; gnomAD 0.01166 and 0.01236; TOPMed 0.01352; 1000 Genomes Project 0.01358; 1000 Genomes Project 30x 0.01405; ESP Exome Variant Server 0.01446.
gnomAD v4.1: 3,380 of 1,612,516 alleles (0.21%); highest among the groups gnomAD compares: African/African-American, 3.9%; 72 homozygotes.

Submissions (3):

Labcorp Genetics (formerly Invitae), Labcorp
Classification: Benign. Last evaluated: 2019-12-31. Review status: criteria provided, single submitter. Criteria: Invitae Variant Classification Sherloc (09022015). Collection method: clinical testing. Allele origin: germline.

Illumina Laboratory Services, Illumina
Classification: Benign for Spermatogenic failure 4. Last evaluated: 2018-01-13. Review status: criteria provided, single submitter. Criteria: ICSL Variant Classification Criteria 13 December 2019. Collection method: clinical testing. Allele origin: germline.
Comment: This variant was observed in the ICSL laboratory as part of a predisposition screen in an ostensibly healthy population. It had not been previously curated by ICSL or reported in the Human Gene Mutation Database (HGMD: prior to June 1st, 2018), and was therefore a candidate for classification through an automated scoring system. Utilizing variant allele frequency, disease prevalence and penetrance estimates, and inheritance mode, an automated score was calculated to assess if this variant is too frequent to cause the disease. Based on the score and internal cut-off values, a variant classified as benign is not then subjected to further curation. The score for this variant resulted in a classification of benign for this disease.

Breakthrough Genomics
Classification: Benign. Review status: criteria provided, single submitter. Criteria: ACMG Guidelines, 2015. Collection method: not provided. Allele origin: germline. Inheritance: Autosomal dominant inheritance. Affected: yes.